The following is an entry in ClinVar:

NM_001378454.1(ALMS1):c.2054A>G (p.Asp685Gly)

Gene: ALMS1 (ALMS1 centrosome and basal body associated protein; plus strand). Cytogenetic location: 2p13.1.
Variant type: single nucleotide variant.
Coding change: c.2054A>G on transcript NM_001378454.1 (MANE Select); coding-DNA position 2054, A replaced by G.
Protein change: p.Asp685Gly; replaces aspartic acid 685 with glycine.
Molecular consequence: missense variant.
Genome position (GRCh38, 1-based): chr2:73,448,581, A>G. VCF-style: chr2-73448581-A-G. GRCh37 (hg19) VCF-style: chr2-73675708-A-G.
Other names: c.2057A>G, p.Asp686Gly (NM_015120.4); short protein forms D685G, D686G.
Identifiers: ClinVar variation 3712187 (VCV003712187.2).

ClinVar aggregate classification (germline): Uncertain significance (1 of 4 stars; one submission).

Conditions:
Alstrom syndrome (ALMS). Identifiers: Orphanet 64, MedGen C0268425, MONDO:0008763, OMIM 203800.

gnomAD v4.1: 10 of 1,613,958 alleles (0.00062%); highest among the groups gnomAD compares: South Asian, 0.011%; 2 homozygotes.

Submission:

Labcorp Genetics (formerly Invitae), Labcorp
Classification: Uncertain significance for Alstrom syndrome. Last evaluated: 2024-12-20. Review status: criteria provided, single submitter. Criteria: Invitae Variant Classification Sherloc (09022015). Collection method: clinical testing. Allele origin: germline.
Comment: This sequence change replaces aspartic acid, which is acidic and polar, with glycine, which is neutral and non-polar, at codon 686 of the ALMS1 protein (p.Asp686Gly). This variant is present in population databases (rs773673377, gnomAD 0.01%). This variant has not been reported in the literature in individuals affected with ALMS1-related conditions. An algorithm developed to predict the effect of missense changes on protein structure and function outputs the following: PolyPhen-2: "Not Available". The glycine amino acid residue is found in multiple mammalian species, which suggests that this missense change does not adversely affect protein function. In summary, the available evidence is currently insufficient to determine the role of this variant in disease. Therefore, it has been classified as a Variant of Uncertain Significance.